The following is an entry in ClinVar:

NM_018139.3(DNAAF2):c.154T>C (p.Tyr52His)

Gene: DNAAF2 (dynein axonemal assembly factor 2; minus strand). Cytogenetic location: 14q21.3.
Variant type: single nucleotide variant.
Coding change: c.154T>C on transcript NM_018139.3 (MANE Select); coding-DNA position 154, T replaced by C.
Protein change: p.Tyr52His; replaces tyrosine 52 with histidine.
Molecular consequence: missense variant.
Genome position (GRCh38, 1-based): chr14:49,634,996, A>G on the plus strand (T>C on the coding strand, the complement: DNAAF2 is on the minus strand). VCF-style: chr14-49634996-A-G. GRCh37 (hg19) VCF-style: chr14-50101714-A-G.
Other names: c.154T>C, p.Tyr52His (NM_001083908.2); short protein forms Y52H.
Identifiers: ClinVar variation 641930 (VCV000641930.7), dbSNP rs749085334, ClinGen allele CA7173151.

ClinVar aggregate classification (germline): Uncertain significance. Review status: criteria provided, multiple submitters, no conflicts (2 of 4 stars). 2 submissions from 2 submitters: Uncertain significance (2). Last evaluated 2023-05-30.

Conditions:
Primary ciliary dyskinesia. Also called: Ciliary dyskinesia. Identifiers: Orphanet 244, MedGen C0008780, MONDO:0016575, HP:0012265.

Allele frequency attached by ClinVar (database versions not stated): TOPMed below 0.00001; gnomAD 0.00001; gnomAD exomes 0.00002; ExAC 0.00014; 1000 Genomes Project 30x 0.00031.
gnomAD v4.1: 28 of 1,565,292 alleles (0.0018%); highest among the groups gnomAD compares: Non-Finnish European, 0.0022%; no homozygotes.

Submissions (2):

Ambry Genetics
Classification: Uncertain significance for Primary ciliary dyskinesia. Last evaluated: 2023-05-30. Review status: criteria provided, single submitter. Criteria: Ambry Variant Classification Scheme 2023. Collection method: clinical testing. Allele origin: germline.
Comment: The p.Y52H variant (also known as c.154T>C), located in coding exon 1 of the DNAAF2 gene, results from a T to C substitution at nucleotide position 154. The tyrosine at codon 52 is replaced by histidine, an amino acid with similar properties. This amino acid position is conserved. In addition, the in silico prediction for this alteration is inconclusive. Since supporting evidence is limited at this time, the clinical significance of this alteration remains unclear.

Labcorp Genetics (formerly Invitae), Labcorp
Classification: Uncertain significance for Primary ciliary dyskinesia. Last evaluated: 2021-12-01. Review status: criteria provided, single submitter. Criteria: Invitae Variant Classification Sherloc (09022015). Collection method: clinical testing. Allele origin: germline.
Comment: This sequence change replaces tyrosine, which is neutral and polar, with histidine, which is basic and polar, at codon 52 of the DNAAF2 protein (p.Tyr52His). The frequency data for this variant in the population databases is considered unreliable, as metrics indicate poor data quality at this position in the gnomAD database. This variant has not been reported in the literature in individuals affected with DNAAF2-related conditions. ClinVar contains an entry for this variant (Variation ID: 641930). Algorithms developed to predict the effect of missense changes on protein structure and function are either unavailable or do not agree on the potential impact of this missense change (SIFT: "Deleterious"; PolyPhen-2: "Probably Damaging"; Align-GVGD: "Class C0"). In summary, the available evidence is currently insufficient to determine the role of this variant in disease. Therefore, it has been classified as a Variant of Uncertain Significance.